The following is an entry in ClinVar:

NM_000057.4(BLM):c.182G>T (p.Arg61Ile)

Gene: BLM (BLM RecQ like helicase; plus strand). Cytogenetic location: 15q26.1.
Variant type: single nucleotide variant.
Coding change: c.182G>T on transcript NM_000057.4 (MANE Select); coding-DNA position 182, G replaced by T.
Protein change: p.Arg61Ile; replaces arginine 61 with isoleucine.
Molecular consequence: missense variant. On other transcripts: 5 prime UTR variant (1).
Genome position (GRCh38, 1-based): chr15:90,749,450, G>T. VCF-style: chr15-90749450-G-T. GRCh37 (hg19) VCF-style: chr15-91292680-G-T.
Other names: c.182G>T, p.Arg61Ile (NM_001287246.2, NM_001287247.2); c.-1110G>T (NM_001287248.2); short protein forms R61I.
Identifiers: ClinVar variation 405305 (VCV000405305.10), dbSNP rs1060500644, ClinGen allele CA16614943.

ClinVar aggregate classification (germline): Uncertain significance. Review status: criteria provided, multiple submitters, no conflicts (2 of 4 stars). 2 submissions from 2 submitters: Uncertain significance (2). Last evaluated 2025-07-12.

Conditions:
Hereditary cancer-predisposing syndrome. Also called: Hereditary Cancer Syndrome; Hereditary neoplastic syndrome; Neoplastic Syndromes, Hereditary; Tumor predisposition. Identifiers: Orphanet 140162, MedGen C0027672, MeSH D009386, MONDO:0015356.
Bloom syndrome (BLM). Also called: Bloom-Torre-Machacek syndrome. Identifiers: Orphanet 125, MedGen C0005859, MONDO:0008876, OMIM 210900.

gnomAD v4.1: 1 of 1,611,948 alleles (0.000062%); highest among the groups gnomAD compares: Non-Finnish European, 0.000085%; no homozygotes.

Submissions (2):

Ambry Genetics
Classification: Uncertain significance for Hereditary cancer-predisposing syndrome. Last evaluated: 2025-07-12. Review status: criteria provided, single submitter. Criteria: Ambry Variant Classification Scheme 2023. Collection method: clinical testing. Allele origin: germline.
Comment: The p.R61I variant (also known as c.182G>T), located in coding exon 2 of the BLM gene, results from a G to T substitution at nucleotide position 182. The arginine at codon 61 is replaced by isoleucine, an amino acid with similar properties. This amino acid position is conserved. In addition, this alteration is predicted to be tolerated by in silico analysis. Since supporting evidence is limited at this time, the clinical significance of this alteration remains unclear.

Labcorp Genetics (formerly Invitae), Labcorp
Classification: Uncertain significance for Bloom syndrome. Last evaluated: 2024-04-30. Review status: criteria provided, single submitter. Criteria: Invitae Variant Classification Sherloc (09022015). Collection method: clinical testing. Allele origin: germline.
Comment: This sequence change replaces arginine, which is basic and polar, with isoleucine, which is neutral and non-polar, at codon 61 of the BLM protein (p.Arg61Ile). This variant is not present in population databases (gnomAD no frequency). This variant has not been reported in the literature in individuals affected with BLM-related conditions. ClinVar contains an entry for this variant (Variation ID: 405305). An algorithm developed to predict the effect of missense changes on protein structure and function (PolyPhen-2) suggests that this variant is likely to be tolerated. In summary, the available evidence is currently insufficient to determine the role of this variant in disease. Therefore, it has been classified as a Variant of Uncertain Significance.